The following is an entry in ClinVar:

ClinVar aggregate classification (germline): Uncertain significance (1 of 4 stars; one submission).

Conditions:
Hereditary cancer-predisposing syndrome. Also called: Tumor predisposition; Neoplastic Syndromes, Hereditary; Hereditary Cancer Syndrome; Hereditary neoplastic syndrome. Identifiers: Orphanet 140162, MedGen C0027672, MeSH D009386, MONDO:0015356.

Submission:

Ambry Genetics
Classification: Uncertain significance for Hereditary cancer-predisposing syndrome. Last evaluated: 2022-01-05. Review status: criteria provided, single submitter. Criteria: Ambry Variant Classification Scheme 2023. Collection method: clinical testing. Allele origin: germline.
Comment: The p.K1073E variant (also known as c.3217A>G), located in coding exon 16 of the BLM gene, results from an A to G substitution at nucleotide position 3217. The lysine at codon 1073 is replaced by glutamic acid, an amino acid with similar properties. This amino acid position is conserved. In addition, this alteration is predicted to be deleterious by in silico analysis. Since supporting evidence is limited at this time, the clinical significance of this alteration remains unclear.

NM_000057.4(BLM):c.3217A>G (p.Lys1073Glu)

Gene: BLM (BLM RecQ like helicase; plus strand). Cytogenetic location: 15q26.1.
Variant type: single nucleotide variant.
Coding change: c.3217A>G on transcript NM_000057.4 (MANE Select); coding-DNA position 3217, A replaced by G.
Protein change: p.Lys1073Glu; replaces lysine 1073 with glutamic acid.
Molecular consequence: missense variant.
Genome position (GRCh38, 1-based): chr15:90,798,196, A>G. VCF-style: chr15-90798196-A-G. GRCh37 (hg19) VCF-style: chr15-91341426-A-G.
Other names: c.3217A>G, p.Lys1073Glu (NM_001287246.2, NM_001287247.2); c.2092A>G, p.Lys698Glu (NM_001287248.2); short protein forms K1073E, K698E.
Identifiers: ClinVar variation 1729000 (VCV001729000.2), dbSNP rs2505534204, ClinGen allele CA393847115.